The following is an entry in ClinVar:

ClinVar aggregate classification (germline): Pathogenic (1 of 4 stars; one submission).

Conditions:
Autosomal recessive limb-girdle muscular dystrophy type 2C (LGMDR5). Also called: MUSCULAR DYSTROPHY, DUCHENNE-LIKE; MUSCULAR DYSTROPHY, LIMB-GIRDLE, AUTOSOMAL RECESSIVE 5. Identifiers: Orphanet 353, MedGen C0410173, MONDO:0009677, OMIM 253700. Disease mechanism: Affects gamma-sarcoglycan and also disrupts the integrity of the entire sarcoglycan complex..

Submission:

Broad Center for Mendelian Genomics, Broad Institute of MIT and Harvard
Classification: Pathogenic for Autosomal recessive limb-girdle muscular dystrophy type 2C. Last evaluated: 2023-08-24. Review status: criteria provided, single submitter. Criteria: ACMG/ClinGen CNV Guidelines, 2019. Collection method: research. Allele origin: unknown. Inheritance: Autosomal recessive inheritance. Affected: yes.
Comment: A homozygous deletion of exon 7 in SGCG (NM_000231.3) was identified by exome sequencing and confirmed by genome sequencing in one individual with limb-girdle muscular dystrophy ([GRCh 38] chr13:23315907_23322480x0)(PMID: 32528171). Inheritance information is unavailable. The patient phenotype is nonspecific, but is consistent with cases described in the literature and/or published databases with overlapping variants. This exon deletion has also been reported in the literature in at least 1 individual, in the homozygous state, with limb-girdle muscular dystrophy (PMID: 18285821). This intragenic variant is predicted to cause a frameshift, which alters the protein’s amino acid sequence beginning at exon 7 and leads to a premature termination codon. This alteration is then predicted to lead to a truncated or absent protein. Loss of function of SGCG is an established disease mechanism in autosomal recessive limb-girdle muscular dystrophy. In summary, this variant meets criteria to be classified as pathogenic for autosomal recessive limb-girdle muscular dystrophy. The ACMG/ClinGen evidence codes and points used in this curation are as follows: 1: 0 points, 2: 0.90 points, 3: 0 points, 4-5: 0.30 points; Total: 1.20 points; Riggs 2020 (PMID: 31690835).

Literature cited by the submitters: PubMed 32528171; PubMed 18285821.

GRCh38/hg38 13q12.12(chr13:23315907-23322480)x0

Genes: SGCG (sarcoglycan gamma; plus strand), LOC130009364 (ATAC-STARR-seq lymphoblastoid active region 7451; plus strand), LOC130009363 (ATAC-STARR-seq lymphoblastoid active region 7450; plus strand). Cytogenetic location: 13q12.12.
Variant type: copy number loss.
Change: copy number 0 (both copies lost) of chr13:23,315,907-23,322,480 (6.6 kb, GRCh38 coordinates, 1-based), cytogenetic band 13q12.12.
Identifiers: ClinVar variation 2579219 (VCV002579219.1).